The following is an entry in ClinVar:

ClinVar aggregate classification (germline): Conflicting classifications of pathogenicity. Review status: criteria provided, conflicting classifications (1 of 4 stars). 5 submissions from 5 submitters: Uncertain significance (1); Benign (1); Likely benign (2). 1 of the submissions does not count toward it. Last evaluated 2025-12-24.

Conditions:
ATP6V0A2-related disorder. Also called: ATP6V0A2-related condition.
ALG9 congenital disorder of glycosylation (CDG1L). Also called: ALG9-CDG; CDG Il; CONGENITAL DISORDER OF GLYCOSYLATION, TYPE Il. Identifiers: Orphanet 79328, MedGen C2931006, MONDO:0012117, OMIM 608776.

Allele frequency attached by ClinVar (database versions not stated): gnomAD exomes 0.00005 and 0.00017; ExAC 0.00025; 1000 Genomes Project 0.00040; 1000 Genomes Project 30x 0.00062; gnomAD 0.00068 and 0.00076; TOPMed 0.00068; ESP Exome Variant Server 0.00123.
gnomAD v4.1: 182 of 1,614,148 alleles (0.011%); highest among the groups gnomAD compares: African/African-American, 0.2%; 3 homozygotes.

Submissions (5):

Labcorp Genetics (formerly Invitae), Labcorp
Classification: Benign for ALG9 congenital disorder of glycosylation. Last evaluated: 2025-12-24. Review status: criteria provided, single submitter. Criteria: Invitae Variant Classification Sherloc (09022015). Collection method: clinical testing. Allele origin: germline.

Blueprint Genetics
Classification: Likely benign. Last evaluated: 2024-08-30. Review status: criteria provided, single submitter. Criteria: ACMG Guidelines, 2015. Collection method: clinical testing. Allele origin: germline.

GeneDx
Classification: Likely benign. Last evaluated: 2020-09-22. Review status: criteria provided, single submitter. Criteria: GeneDx Variant Classification Process June 2021. Collection method: clinical testing. Allele origin: germline. Affected: yes.

Eurofins Ntd Llc (ga)
Classification: Uncertain significance. Last evaluated: 2017-08-17. Review status: criteria provided, single submitter. Criteria: EGL Classification Definitions 2015. Collection method: clinical testing. Allele origin: germline. Observed: 2 variant alleles, 2 heterozygotes.

PreventionGenetics, part of Exact Sciences
Classification: Likely benign for ATP6V0A2-related condition. Last evaluated: 2021-12-01. Review status: no assertion criteria provided. Collection method: clinical testing. Allele origin: germline. Not counted in ClinVar's aggregate classification.
Comment: This variant is classified as likely benign based on ACMG/AMP sequence variant interpretation guidelines (Richards et al. 2015 PMID: 25741868, with internal and published modifications).

NM_012463.4(ATP6V0A2):c.1521C>T (p.Ser507=)

Gene: ATP6V0A2 (ATPase H+ transporting V0 subunit a2; plus strand). Cytogenetic location: 12q24.31.
Variant type: single nucleotide variant.
Coding change: c.1521C>T on transcript NM_012463.4 (MANE Select); coding-DNA position 1521, C replaced by T.
Protein change: p.Ser507=; no amino-acid change (serine 507 retained).
Molecular consequence: synonymous variant.
Genome position (GRCh38, 1-based): chr12:123,744,888, C>T. VCF-style: chr12-123744888-C-T. GRCh37 (hg19) VCF-style: chr12-124229435-C-T.
Identifiers: ClinVar variation 286114 (VCV000286114.20), dbSNP rs142454880, ClinGen allele CA6861955.